The following is an entry in ClinVar:

NM_017763.6(RNF43):c.579C>T (p.Ala193=)

Gene: RNF43 (ring finger protein 43; minus strand). Cytogenetic location: 17q22.
Variant type: single nucleotide variant.
Coding change: c.579C>T on transcript NM_017763.6 (MANE Select); coding-DNA position 579, C replaced by T.
Protein change: p.Ala193=; no amino-acid change (alanine 193 retained).
Molecular consequence: synonymous variant.
Genome position (GRCh38, 1-based): chr17:58,363,278, G>A on the plus strand (C>T on the coding strand, the complement: RNF43 is on the minus strand). VCF-style: chr17-58363278-G-A. GRCh37 (hg19) VCF-style: chr17-56440639-G-A.
Other names: c.579C>T, p.Ala193= (NM_001305544.3); c.198C>T, p.Ala66= (NM_001305545.2).
Identifiers: ClinVar variation 2647962 (VCV002647962.28), dbSNP rs776216229, ClinGen allele CA8673383.

ClinVar aggregate classification (germline): Benign/Likely benign. Review status: criteria provided, multiple submitters, no conflicts (2 of 4 stars). 4 submissions from 4 submitters: Benign (1); Likely benign (3). Last evaluated 2026-06-30.

Conditions:
Sessile serrated polyposis cancer syndrome (SSPCS). Identifiers: Orphanet 157798, MedGen C4310714, MONDO:0014919, OMIM 617108.

Allele frequency attached by ClinVar (database versions not stated): ExAC 0.00001; TOPMed 0.00001; gnomAD exomes 0.00002; gnomAD 0.00003.
gnomAD v4.1: 28 of 1,613,468 alleles (0.0017%); highest among the groups gnomAD compares: Non-Finnish European, 0.0024%; no homozygotes.

Submissions (4):

Myriad Genetics, Inc.
Classification: Benign for Sessile serrated polyposis cancer syndrome. Last evaluated: 2026-06-30. Review status: criteria provided, single submitter. Criteria: Myriad Autosomal Dominant, Autosomal Recessive and X-Linked Classification Criteria (2023). Collection method: clinical testing. Allele origin: unknown.
Comment: This variant is considered benign. This variant is a silent/synonymous amino acid change and it is not expected to impact splicing.

Labcorp Genetics (formerly Invitae), Labcorp
Classification: Likely benign. Last evaluated: 2025-08-02. Review status: criteria provided, single submitter. Criteria: Invitae Variant Classification Sherloc (09022015). Collection method: clinical testing. Allele origin: germline.

Ambry Genetics
Classification: Likely benign. Last evaluated: 2024-11-26. Review status: criteria provided, single submitter. Criteria: Ambry Variant Classification Scheme 2023. Collection method: clinical testing. Allele origin: germline.

CeGaT Center for Human Genetics Tuebingen
Classification: Likely benign. Last evaluated: 2024-09-01. Review status: criteria provided, single submitter. Criteria: CeGaT Center For Human Genetics Tuebingen Variant Classification Criteria Version 2. Collection method: clinical testing. Allele origin: germline. Affected: yes. Observed: 2 variant alleles.
Comment: RNF43: BP4, BP7